The following is an entry in ClinVar:

ClinVar aggregate classification (germline): Uncertain significance (1 of 4 stars; one submission).

Conditions:
Dilated cardiomyopathy 1O (CMD1O). Also called: CARDIOMYOPATHY, DILATED, WITH VENTRICULAR TACHYCARDIA. Identifiers: Orphanet 154, MedGen C1837839, MONDO:0012062, OMIM 608569.

Allele frequency attached by ClinVar (database versions not stated): gnomAD exomes below 0.00001.
gnomAD v4.1: 5 of 1,614,012 alleles (0.00031%); highest among the groups gnomAD compares: East Asian, 0.0022%; no homozygotes.

Submission:

Labcorp Genetics (formerly Invitae), Labcorp
Classification: Uncertain significance for Dilated cardiomyopathy 1O. Last evaluated: 2021-05-17. Review status: criteria provided, single submitter. Criteria: Invitae Variant Classification Sherloc (09022015). Collection method: clinical testing. Allele origin: germline.
Comment: In summary, the available evidence is currently insufficient to determine the role of this variant in disease. Therefore, it has been classified as a Variant of Uncertain Significance. Algorithms developed to predict the effect of missense changes on protein structure and function (SIFT, PolyPhen-2, Align-GVGD) all suggest that this variant is likely to be tolerated, but these predictions have not been confirmed by published functional studies and their clinical significance is uncertain. This variant has not been reported in the literature in individuals with ABCC9-related conditions. This variant is not present in population databases (ExAC no frequency). This sequence change replaces valine with methionine at codon 1525 of the ABCC9 protein (p.Val1525Met). The valine residue is weakly conserved and there is a small physicochemical difference between valine and methionine.

NM_020297.4(ABCC9):c.4512+747G>A

Genes: ABCC9 (ATP binding cassette subfamily C member 9; minus strand), KCNJ8-AS1 (KCNJ8 antisense RNA 1; plus strand). Cytogenetic location: 12p12.1.
Variant type: single nucleotide variant.
Coding change: c.4512+747G>A on transcript NM_020297.4 (MANE Select); 747 bases into the intron after coding-DNA position 4512, G replaced by A.
Molecular consequence: intron variant. On other transcripts: missense variant (1).
Genome position (GRCh38, 1-based): chr12:21,805,251, C>T on the plus strand (G>A on the coding strand, the complement: ABCC9 is on the minus strand). VCF-style: chr12-21805251-C-T. GRCh37 (hg19) VCF-style: chr12-21958185-C-T.
Other names: c.4573G>A, p.Val1525Met (NM_005691.4); c.3645+747G>A (NM_001377274.1); c.4512+747G>A (NM_001377273.1); short protein forms V1525M.
Identifiers: ClinVar variation 1395750 (VCV001395750.8), dbSNP rs1565679584, ClinGen allele CA384129224.